The following is an entry in ClinVar:

NM_000426.4(LAMA2):c.2549G>A (p.Gly850Asp)

Gene: LAMA2 (laminin subunit alpha 2; plus strand). Cytogenetic location: 6q22.33.
Variant type: single nucleotide variant.
Coding change: c.2549G>A on transcript NM_000426.4 (MANE Select); coding-DNA position 2549, G replaced by A.
Protein change: p.Gly850Asp; replaces glycine 850 with aspartic acid.
Molecular consequence: missense variant.
Genome position (GRCh38, 1-based): chr6:129,287,858, G>A. VCF-style: chr6-129287858-G-A. GRCh37 (hg19) VCF-style: chr6-129609003-G-A.
Other names: c.2549G>A, p.Gly850Asp (NM_001079823.2); short protein forms G850D.
Identifiers: ClinVar variation 1010877 (VCV001010877.7), dbSNP rs34487290, ClinGen allele CA3993004.

ClinVar aggregate classification (germline): Uncertain significance. Review status: criteria provided, multiple submitters, no conflicts (2 of 4 stars). 2 submissions from 2 submitters: Uncertain significance (2). Last evaluated 2022-09-12.

Conditions:
LAMA2-related muscular dystrophy (LAMA2-RD). Also called: Laminin alpha 2-related dystrophy. Identifiers: MedGen C5679788, MONDO:0100228.

Allele frequency attached by ClinVar (database versions not stated): TOPMed 0.00004.
gnomAD v4.1: 22 of 1,613,818 alleles (0.0014%); highest among the groups gnomAD compares: African/African-American, 0.017%; no homozygotes.

Submissions (2):

Labcorp Genetics (formerly Invitae), Labcorp
Classification: Uncertain significance for LAMA2-related muscular dystrophy. Last evaluated: 2022-09-12. Review status: criteria provided, single submitter. Criteria: Invitae Variant Classification Sherloc (09022015). Collection method: clinical testing. Allele origin: germline.
Comment: This sequence change replaces glycine, which is neutral and non-polar, with aspartic acid, which is acidic and polar, at codon 850 of the LAMA2 protein (p.Gly850Asp). This variant is present in population databases (rs34487290, gnomAD 0.007%). This variant has not been reported in the literature in individuals affected with LAMA2-related conditions. ClinVar contains an entry for this variant (Variation ID: 1010877). Advanced modeling of protein sequence and biophysical properties (such as structural, functional, and spatial information, amino acid conservation, physicochemical variation, residue mobility, and thermodynamic stability) performed at Invitae indicates that this missense variant is not expected to disrupt LAMA2 protein function. In summary, the available evidence is currently insufficient to determine the role of this variant in disease. Therefore, it has been classified as a Variant of Uncertain Significance.

Breakthrough Genomics
Classification: Uncertain significance. Review status: criteria provided, single submitter. Criteria: ACMG Guidelines, 2015. Collection method: not provided. Allele origin: germline. Inheritance: Autosomal recessive inheritance. Affected: yes.